The following is an entry in ClinVar:

NM_001987.5(ETV6):c.1286_1289dup (p.Thr431fs)

Gene: ETV6 (ETS variant transcription factor 6; plus strand). Cytogenetic location: 12p13.2.
Variant type: Duplication.
Coding change: c.1286_1289dup on transcript NM_001987.5 (MANE Select); coding-DNA positions 1286 to 1289, 4 bases duplicated (GCCG; older notation c.1286_1289dupGCCG).
Protein change: p.Thr431fs; shifts the reading frame from threonine 431.
Molecular consequence: frameshift variant. On other transcripts: 3 prime UTR variant (1).
Genome position (GRCh38, 1-based): chr12:11,890,973-11,890,976, GCCG duplicated; duplicating any 4 consecutive bases within chr12:11,890,972-11,890,976 gives the same sequence; the c. name uses the placement nearest the transcript's 3' end. VCF-style (leftmost placement, unchanged base first): chr12-11890971-T-TGGCC. GRCh37 (hg19) VCF-style: chr12-12043905-T-TGGCC.
Other names: c.1283_1286dup, p.Thr430fs (NM_001413913.1); c.1259_1262dup, p.Thr422fs (NM_001413914.1); c.1022_1025dup, p.Thr343fs (NM_001413915.1); c.*25_*28dup (NM_001413917.1); short protein forms T343fs, T422fs, T430fs, T431fs.
Identifiers: ClinVar variation 3360895 (VCV003360895.1).

ClinVar aggregate classification (germline): Uncertain significance (1 of 4 stars; one submission).

Submission:

GeneDx
Classification: Uncertain significance. Last evaluated: 2023-07-13. Review status: criteria provided, single submitter. Criteria: GeneDx Variant Classification Process June 2021. Collection method: clinical testing. Allele origin: germline. Affected: yes.
Comment: Not observed at significant frequency in large population cohorts (gnomAD); Frameshift variant predicted to result in protein truncation as the last 22 amino acids are replaced with 14 different amino acids, although loss-of-function variants have not been reported downstream of this position in the protein; Has not been previously published as pathogenic or benign to our knowledge